The following is an entry in ClinVar:

NM_133459.4(CCBE1):c.*3182T>G

Gene: CCBE1 (collagen and calcium binding EGF domains 1; minus strand). Cytogenetic location: 18q21.32.
Variant type: single nucleotide variant.
Coding change: c.*3182T>G on transcript NM_133459.4 (MANE Select); 3182 bases downstream of the stop codon, T replaced by G.
Molecular consequence: 3 prime UTR variant.
Genome position (GRCh38, 1-based): chr18:59,432,726, A>C on the plus strand (T>G on the coding strand, the complement: CCBE1 is on the minus strand). VCF-style: chr18-59432726-A-C. GRCh37 (hg19) VCF-style: chr18-57099958-A-C.
Identifiers: ClinVar variation 891929 (VCV000891929.4), dbSNP rs8084216, ClinGen allele CA301037703.

ClinVar aggregate classification (germline): Likely benign (1 of 4 stars; one submission).

Conditions:
Hennekam lymphangiectasia-lymphedema syndrome 1 (HKLLS1). Also called: LYMPHATIC DYSPLASIA, GENERALIZED. Identifiers: Orphanet 2136, MedGen C4012050, MONDO:0009337, OMIM 235510.

Allele frequency attached by ClinVar (database versions not stated): 1000 Genomes Project 30x 0.00265; 1000 Genomes Project 0.00319; gnomAD 0.00336 and 0.00371; TOPMed 0.00372.

Submission:

Illumina Laboratory Services, Illumina
Classification: Likely benign for Hennekam lymphangiectasia-lymphedema syndrome 1. Last evaluated: 2018-01-13. Review status: criteria provided, single submitter. Criteria: ICSL Variant Classification Criteria 13 December 2019. Collection method: clinical testing. Allele origin: germline.
Comment: This variant was observed in the ICSL laboratory as part of a predisposition screen in an ostensibly healthy population. It had not been previously curated by ICSL or reported in the Human Gene Mutation Database (HGMD: prior to June 1st, 2018), and was therefore a candidate for classification through an automated scoring system. Utilizing variant allele frequency, disease prevalence and penetrance estimates, and inheritance mode, an automated score was calculated to assess if this variant is too frequent to cause the disease. Based on the score and internal cut-off values, a variant classified as likely benign is not then subjected to further curation. The score for this variant resulted in a classification of likely benign for this disease.